The following is an entry in ClinVar:

ClinVar aggregate classification (germline): Uncertain significance. Review status: criteria provided, multiple submitters, no conflicts (2 of 4 stars). 2 submissions from 2 submitters: Uncertain significance (2). Last evaluated 2026-03-22.

Conditions:
Fanconi anemia complementation group J. Also called: BRIP1-Related Fanconi Anemia. Identifiers: Orphanet 84, MedGen C1836860, MONDO:0012187, OMIM 609054.
Familial cancer of breast. Also called: Hereditary breast cancer; hereditary breast carcinoma; BREAST CANCER, FAMILIAL. Identifiers: Orphanet 227535, MedGen C0346153, MONDO:0016419, OMIM 114480. Disease mechanism: loss of function.
Hereditary cancer-predisposing syndrome. Also called: Neoplastic Syndromes, Hereditary; Tumor predisposition; Hereditary Cancer Syndrome; Hereditary neoplastic syndrome. Identifiers: Orphanet 140162, MedGen C0027672, MeSH D009386, MONDO:0015356.

Submissions (2):

Ambry Genetics
Classification: Uncertain significance for Hereditary cancer-predisposing syndrome. Last evaluated: 2026-03-22. Review status: criteria provided, single submitter. Criteria: Ambry Variant Classification Scheme 2023. Collection method: clinical testing. Allele origin: germline.
Comment: The p.R834G variant (also known as c.2500A>G), located in coding exon 17 of the BRIP1 gene, results from an A to G substitution at nucleotide position 2500. The arginine at codon 834 is replaced by glycine, an amino acid with dissimilar properties. This amino acid position is conserved. In addition, this alteration is predicted to be deleterious by in silico analysis. Based on the available evidence, the clinical significance of this variant remains unclear.

Labcorp Genetics (formerly Invitae), Labcorp
Classification: Uncertain significance for Familial cancer of breast; Fanconi anemia complementation group J. Last evaluated: 2021-12-17. Review status: criteria provided, single submitter. Criteria: Invitae Variant Classification Sherloc (09022015). Collection method: clinical testing. Allele origin: germline.
Comment: In summary, the available evidence is currently insufficient to determine the role of this variant in disease. Therefore, it has been classified as a Variant of Uncertain Significance. Algorithms developed to predict the effect of missense changes on protein structure and function (SIFT, PolyPhen-2, Align-GVGD) all suggest that this variant is likely to be disruptive. This variant has not been reported in the literature in individuals affected with BRIP1-related conditions. This variant is not present in population databases (gnomAD no frequency). This sequence change replaces arginine, which is basic and polar, with glycine, which is neutral and non-polar, at codon 834 of the BRIP1 protein (p.Arg834Gly).

NM_032043.3(BRIP1):c.2500A>G (p.Arg834Gly)

Gene: BRIP1 (BRCA1 interacting DNA helicase 1; minus strand). Cytogenetic location: 17q23.2.
Variant type: single nucleotide variant.
Coding change: c.2500A>G on transcript NM_032043.3 (MANE Select); coding-DNA position 2500, A replaced by G.
Protein change: p.Arg834Gly; replaces arginine 834 with glycine.
Molecular consequence: missense variant.
Genome position (GRCh38, 1-based): chr17:61,693,505, T>C on the plus strand (A>G on the coding strand, the complement: BRIP1 is on the minus strand). VCF-style: chr17-61693505-T-C. GRCh37 (hg19) VCF-style: chr17-59770866-T-C.
Other names: short protein forms R834G.
Identifiers: ClinVar variation 2045247 (VCV002045247.5), dbSNP rs2544605047, ClinGen allele CA400482495.